The following is an entry in ClinVar:

NM_003480.4(MFAP5):c.85C>T (p.Gln29Ter)

Gene: MFAP5 (microfibril associated protein 5; minus strand). Cytogenetic location: 12p13.31.
Variant type: single nucleotide variant.
Coding change: c.85C>T on transcript NM_003480.4 (MANE Select); coding-DNA position 85, C replaced by T.
Protein change: p.Gln29Ter; replaces glutamine 29 with a stop codon.
Molecular consequence: nonsense. On other transcripts: non-coding transcript variant (2), intron variant (1).
Genome position (GRCh38, 1-based): chr12:8,660,872, G>A on the plus strand (C>T on the coding strand, the complement: MFAP5 is on the minus strand). VCF-style: chr12-8660872-G-A. GRCh37 (hg19) VCF-style: chr12-8813468-G-A.
Other names: c.85C>T, p.Gln29Ter (NM_001297709.2, NM_001297711.2, NM_001297712.2); c.58+1175C>T (NM_001297710.2); short protein forms Q29*.
Identifiers: ClinVar variation 2701462 (VCV002701462.3), dbSNP rs2540311944, ClinGen allele CA384039591.
Genomic context (GRCh38, chr12:8,660,872, plus strand): 5'-AATTTTCCTGATAAGAACCCCAACAGAGCCGCTATCCAAGGGTTCACCTACCTCCTCGTT[G>A]ACTATTGACCCCCAGGGGTATCCAGTCTATAGCAAAGGAAGAGAAAAGAGATGTGAGTGA-3'

ClinVar aggregate classification (germline): Uncertain significance (1 of 4 stars; one submission).

Submission:

Labcorp Genetics (formerly Invitae), Labcorp
Classification: Uncertain significance. Last evaluated: 2023-12-08. Review status: criteria provided, single submitter. Criteria: Invitae Variant Classification Sherloc (09022015). Collection method: clinical testing. Allele origin: germline.
Comment: This sequence change creates a premature translational stop signal (p.Gln29*) in the MFAP5 gene. It is expected to result in an absent or disrupted protein product. However, the current clinical and genetic evidence is not sufficient to establish whether loss-of-function variants in MFAP5 cause disease. This variant is not present in population databases (gnomAD no frequency). This premature translational stop signal has been observed in individual(s) with clinical features of thoracic aortic aneurysms and dissection (TAAD) (Invitae). Algorithms developed to predict the effect of sequence changes on RNA splicing suggest that this variant may disrupt the consensus splice site. In summary, the available evidence is currently insufficient to determine the role of this variant in disease. Therefore, it has been classified as a Variant of Uncertain Significance.